The following is an entry in ClinVar:

ClinVar aggregate classification (germline): Uncertain significance. Review status: criteria provided, multiple submitters, no conflicts (2 of 4 stars). 3 submissions from 3 submitters: Uncertain significance (3). Last evaluated 2025-08-02.

Conditions:
Hereditary cancer-predisposing syndrome. Also called: Hereditary Cancer Syndrome; Hereditary neoplastic syndrome; Neoplastic Syndromes, Hereditary; Tumor predisposition. Identifiers: Orphanet 140162, MedGen C0027672, MeSH D009386, MONDO:0015356.

gnomAD v4.1: 1 of 1,614,134 alleles (0.000062%); highest among the groups gnomAD compares: Non-Finnish European, 0.000085%; no homozygotes.

Submissions (3):

Labcorp Genetics (formerly Invitae), Labcorp
Classification: Uncertain significance. Last evaluated: 2025-08-02. Review status: criteria provided, single submitter. Criteria: Invitae Variant Classification Sherloc (09022015). Collection method: clinical testing. Allele origin: germline.
Comment: This sequence change replaces arginine, which is basic and polar, with proline, which is neutral and non-polar, at codon 52 of the POLE protein (p.Arg52Pro). This variant is not present in population databases (gnomAD no frequency). This variant has not been reported in the literature in individuals affected with POLE-related conditions. ClinVar contains an entry for this variant (Variation ID: 1775228). Invitae Evidence Modeling of protein sequence and biophysical properties (such as structural, functional, and spatial information, amino acid conservation, physicochemical variation, residue mobility, and thermodynamic stability) indicates that this missense variant is not expected to disrupt POLE protein function with a negative predictive value of 80%. In summary, the available evidence is currently insufficient to determine the role of this variant in disease. Therefore, it has been classified as a Variant of Uncertain Significance.

Ambry Genetics
Classification: Uncertain significance for Hereditary cancer-predisposing syndrome. Last evaluated: 2025-01-07. Review status: criteria provided, single submitter. Criteria: Ambry Variant Classification Scheme 2023. Collection method: clinical testing. Allele origin: germline.
Comment: The p.R52P variant (also known as c.155G>C), located in coding exon 2 of the POLE gene, results from a G to C substitution at nucleotide position 155. The arginine at codon 52 is replaced by proline, an amino acid with dissimilar properties. This amino acid position is conserved. In addition, the in silico prediction for this alteration is inconclusive. Based on the available evidence, the clinical significance of this variant remains unclear.

GeneDx
Classification: Uncertain significance. Last evaluated: 2023-10-03. Review status: criteria provided, single submitter. Criteria: GeneDx Variant Classification Process June 2021. Collection method: clinical testing. Allele origin: germline. Affected: yes.
Comment: Not observed at significant frequency in large population cohorts (gnomAD); In silico analysis supports that this missense variant has a deleterious effect on protein structure/function; Has not been previously published as pathogenic or benign to our knowledge

NM_006231.4(POLE):c.155G>C (p.Arg52Pro)

Gene: POLE (DNA polymerase epsilon, catalytic subunit; minus strand). Cytogenetic location: 12q24.33.
Variant type: single nucleotide variant.
Coding change: c.155G>C on transcript NM_006231.4 (MANE Select); coding-DNA position 155, G replaced by C.
Protein change: p.Arg52Pro; replaces arginine 52 with proline.
Molecular consequence: missense variant.
Genome position (GRCh38, 1-based): chr12:132,681,187, C>G on the plus strand (G>C on the coding strand, the complement: POLE is on the minus strand). VCF-style: chr12-132681187-C-G. GRCh37 (hg19) VCF-style: chr12-133257773-C-G.
Other names: short protein forms R52P.
Identifiers: ClinVar variation 1775228 (VCV001775228.9), dbSNP rs372459649, ClinGen allele CA387369928.